The following is an entry in ClinVar:

NM_000218.3(KCNQ1):c.1393+30401G>T

Genes: KCNQ1 (potassium voltage-gated channel subfamily Q member 1; plus strand), KCNQ1OT1 (KCNQ1 opposite strand/antisense transcript 1; minus strand). Cytogenetic location: 11p15.5.
Variant type: single nucleotide variant.
Coding change: c.1393+30401G>T on transcript NM_000218.3 (MANE Select); 30401 bases into the intron after coding-DNA position 1393, G replaced by T.
Molecular consequence: intron variant.
Genome position (GRCh38, 1-based): chr11:2,619,255, G>T. VCF-style: chr11-2619255-G-T. GRCh37 (hg19) VCF-style: chr11-2640485-G-T.
Other names: c.1123+30401G>T (NM_001406837.1); c.1297+30401G>T (NM_001406836.1); c.853+30401G>T (NM_001406838.1); c.1012+30401G>T (NM_181798.2).
Identifiers: ClinVar variation 2570783 (VCV002570783.27), dbSNP rs564678727, ClinGen allele CA216361480.

ClinVar aggregate classification (germline): Benign (1 of 4 stars; one submission).

Allele frequency attached by ClinVar (database versions not stated): gnomAD 0.00057; TOPMed 0.00059; 1000 Genomes Project 0.00060; 1000 Genomes Project 30x 0.00062; gnomAD exomes 0.00097.
gnomAD v4.1: 340 of 398,490 alleles (0.085%); highest among the groups gnomAD compares: Middle Eastern, 0.44%; 1 homozygote.

Submission:

CeGaT Center for Human Genetics Tuebingen
Classification: Benign. Last evaluated: 2026-08-01. Review status: criteria provided, single submitter. Criteria: CeGaT Center For Human Genetics Tuebingen Variant Classification Criteria Version 2. Collection method: clinical testing. Allele origin: germline. Affected: yes. Observed: 29 variant alleles.
Comment: KCNQ1OT1: BS1, BS2